The following is an entry in ClinVar:

NM_015164.4(PLEKHM2):c.1021A>C (p.Ser341Arg)

Gene: PLEKHM2 (pleckstrin homology and RUN domain containing M2; plus strand). Cytogenetic location: 1p36.21.
Variant type: single nucleotide variant.
Coding change: c.1021A>C on transcript NM_015164.4 (MANE Select); coding-DNA position 1021, A replaced by C.
Protein change: p.Ser341Arg; replaces serine 341 with arginine.
Molecular consequence: missense variant.
Genome position (GRCh38, 1-based): chr1:15,727,093, A>C. VCF-style: chr1-15727093-A-C. GRCh37 (hg19) VCF-style: chr1-16053588-A-C.
Other names: short protein forms S341R.
Identifiers: ClinVar variation 937927 (VCV000937927.9), dbSNP rs886205223, ClinGen allele CA18299014.

ClinVar aggregate classification (germline): Uncertain significance (1 of 4 stars; one submission).

Allele frequency attached by ClinVar (database versions not stated): TOPMed below 0.00001.
gnomAD v4.1: 26 of 1,550,404 alleles (0.0017%); highest among the groups gnomAD compares: Non-Finnish European, 0.0021%; no homozygotes.

Submission:

Labcorp Genetics (formerly Invitae), Labcorp
Classification: Uncertain significance. Last evaluated: 2023-09-14. Review status: criteria provided, single submitter. Criteria: Invitae Variant Classification Sherloc (09022015). Collection method: clinical testing. Allele origin: germline.
Comment: This variant is not present in population databases (gnomAD no frequency). This variant has not been reported in the literature in individuals affected with PLEKHM2-related conditions. ClinVar contains an entry for this variant (Variation ID: 937927). An algorithm developed to predict the effect of missense changes on protein structure and function (PolyPhen-2) suggests that this variant is likely to be tolerated. In summary, the available evidence is currently insufficient to determine the role of this variant in disease. Therefore, it has been classified as a Variant of Uncertain Significance. This sequence change replaces serine, which is neutral and polar, with arginine, which is basic and polar, at codon 341 of the PLEKHM2 protein (p.Ser341Arg).